The following is an entry in ClinVar:

ClinVar aggregate classification (germline): Pathogenic (1 of 4 stars; one submission).

Allele frequency attached by ClinVar (database versions not stated): gnomAD exomes below 0.00001.
gnomAD v4.1: 1 of 1,614,200 alleles (0.000062%); highest among the groups gnomAD compares: Non-Finnish European, 0.000085%; no homozygotes.

Submission:

GeneDx
Classification: Pathogenic. Last evaluated: 2025-07-26. Review status: criteria provided, single submitter. Criteria: GeneDx Variant Classification Process June 2021. Collection method: clinical testing. Allele origin: germline. Affected: yes.
Comment: Nonsense variant predicted to result in protein truncation or nonsense mediated decay in a gene for which loss of function is a known mechanism of disease; Not observed at significant frequency in large population cohorts (gnomAD); Has not been previously published as pathogenic or benign to our knowledge

NM_017739.4(POMGNT1):c.314C>G (p.Ser105Ter)

Gene: POMGNT1 (protein O-linked mannose N-acetylglucosaminyltransferase 1 (beta 1,2-); minus strand). Cytogenetic location: 1p34.1.
Variant type: single nucleotide variant.
Coding change: c.314C>G on transcript NM_017739.4 (MANE Select); coding-DNA position 314, C replaced by G.
Protein change: p.Ser105Ter; replaces serine 105 with a stop codon.
Molecular consequence: nonsense. On other transcripts: 5 prime UTR variant (1).
Genome position (GRCh38, 1-based): chr1:46,196,771, G>C on the plus strand (C>G on the coding strand, the complement: POMGNT1 is on the minus strand). VCF-style: chr1-46196771-G-C. GRCh37 (hg19) VCF-style: chr1-46662443-G-C.
Other names: c.314C>G, p.Ser105Ter (NM_001243766.2, NM_001410783.1); c.248C>G, p.Ser83Ter (NM_001290129.3); c.-116C>G (NM_001290130.2); short protein forms S105*, S83*.
Identifiers: ClinVar variation 384626 (VCV000384626.3), dbSNP rs1057522013, ClinGen allele CA16603663.